The following is an entry in ClinVar:

NM_004656.4(BAP1):c.401C>T (p.Ala134Val)

Gene: BAP1 (BRCA1 associated deubiquitinase 1; minus strand). Cytogenetic location: 3p21.1.
Variant type: single nucleotide variant.
Coding change: c.401C>T on transcript NM_004656.4 (MANE Select); coding-DNA position 401, C replaced by T.
Protein change: p.Ala134Val; replaces alanine 134 with valine.
Molecular consequence: missense variant.
Genome position (GRCh38, 1-based): chr3:52,407,435, G>A on the plus strand (C>T on the coding strand, the complement: BAP1 is on the minus strand). VCF-style: chr3-52407435-G-A. GRCh37 (hg19) VCF-style: chr3-52441451-G-A.
Other names: short protein forms A134V.
Identifiers: ClinVar variation 824507 (VCV000824507.17), dbSNP rs1578226823, ClinGen allele CA353111017.

ClinVar aggregate classification (germline): Uncertain significance. Review status: criteria provided, multiple submitters, no conflicts (2 of 4 stars). 3 submissions from 3 submitters: Uncertain significance (3). Last evaluated 2025-11-17.

Conditions:
Hereditary cancer-predisposing syndrome. Also called: Neoplastic Syndromes, Hereditary; Tumor predisposition; Hereditary neoplastic syndrome; Hereditary Cancer Syndrome. Identifiers: Orphanet 140162, MedGen C0027672, MeSH D009386, MONDO:0015356.
BAP1-related tumor predisposition syndrome (TPDS1). Also called: TUMOR PREDISPOSITION SYNDROME 1; COMMON Syndrome; Tumor susceptibility linked to germline BAP1 mutations; BAP1 tumor predisposition syndrome. Identifiers: Orphanet 289539, MedGen C3280492, MONDO:0013692, OMIM 614327.

Allele frequency attached by ClinVar (database versions not stated): gnomAD exomes 0.00001.
gnomAD v4.1: 13 of 1,614,208 alleles (0.00081%); highest among the groups gnomAD compares: Non-Finnish European, 0.0011%; no homozygotes.

Submissions (3):

Color Diagnostics, LLC DBA Color Health
Classification: Uncertain significance for Hereditary cancer-predisposing syndrome. Last evaluated: 2025-11-17. Review status: criteria provided, single submitter. Criteria: ACMG Guidelines, 2015. Collection method: clinical testing. Allele origin: germline.
Comment: This missense variant replaces alanine with valine at codon 134 of the BAP1 protein. Computational prediction suggests that this variant may not impact protein structure and function. To our knowledge, functional studies have not been reported for this variant. This variant has not been reported in individuals affected with hereditary cancer in the literature. This variant has not been identified in the general population by the Genome Aggregation Database (gnomAD). The available evidence is insufficient to determine the role of this variant in disease conclusively. Therefore, this variant is classified as a Variant of Uncertain Significance.

Labcorp Genetics (formerly Invitae), Labcorp
Classification: Uncertain significance for BAP1-related tumor predisposition syndrome. Last evaluated: 2024-12-26. Review status: criteria provided, single submitter. Criteria: Invitae Variant Classification Sherloc (09022015). Collection method: clinical testing. Allele origin: germline.
Comment: This sequence change replaces alanine, which is neutral and non-polar, with valine, which is neutral and non-polar, at codon 134 of the BAP1 protein (p.Ala134Val). This variant is not present in population databases (gnomAD no frequency). This variant has not been reported in the literature in individuals affected with BAP1-related conditions. ClinVar contains an entry for this variant (Variation ID: 824507). Invitae Evidence Modeling of protein sequence and biophysical properties (such as structural, functional, and spatial information, amino acid conservation, physicochemical variation, residue mobility, and thermodynamic stability) indicates that this missense variant is not expected to disrupt BAP1 protein function with a negative predictive value of 80%. In summary, the available evidence is currently insufficient to determine the role of this variant in disease. Therefore, it has been classified as a Variant of Uncertain Significance.

Ambry Genetics
Classification: Uncertain significance for Hereditary cancer-predisposing syndrome. Last evaluated: 2024-12-19. Review status: criteria provided, single submitter. Criteria: Ambry Variant Classification Scheme 2023. Collection method: clinical testing. Allele origin: germline.
Comment: The p.A134V variant (also known as c.401C>T), located in coding exon 6 of the BAP1 gene, results from a C to T substitution at nucleotide position 401. The alanine at codon 134 is replaced by valine, an amino acid with similar properties. This amino acid position is highly conserved in available vertebrate species. In addition, the in silico prediction for this alteration is inconclusive. Since supporting evidence is limited at this time, the clinical significance of this alteration remains unclear.